The following is an entry in ClinVar:

ClinVar aggregate classification (germline): Benign. Review status: criteria provided, multiple submitters, no conflicts (2 of 4 stars). 2 submissions from 2 submitters: Benign (2). Last evaluated 2018-06-14.

Allele frequency attached by ClinVar (database versions not stated): 1000 Genomes Project 0.02057; 1000 Genomes Project 30x 0.02124; TOPMed 0.04226; gnomAD 0.04954 and 0.05106.

Submissions (2):

GeneDx
Classification: Benign. Last evaluated: 2018-06-14. Review status: criteria provided, single submitter. Criteria: GeneDx Variant Classification (06012015). Collection method: clinical testing. Allele origin: germline. Affected: yes.
Comment: This variant is considered likely benign or benign based on one or more of the following criteria: it is a conservative change, it occurs at a poorly conserved position in the protein, it is predicted to be benign by multiple in silico algorithms, and/or has population frequency not consistent with disease.

Breakthrough Genomics
Classification: Benign. Review status: criteria provided, single submitter. Criteria: ACMG Guidelines, 2015. Collection method: not provided. Allele origin: germline. Inheritance: Autosomal dominant inheritance. Affected: yes.

NM_001844.5(COL2A1):c.3273+58T>C

Gene: COL2A1 (collagen type II alpha 1 chain; minus strand). Cytogenetic location: 12q13.11.
Variant type: single nucleotide variant.
Coding change: c.3273+58T>C on transcript NM_001844.5 (MANE Select); 58 bases into the intron after coding-DNA position 3273, T replaced by C.
Molecular consequence: intron variant.
Genome position (GRCh38, 1-based): chr12:47,977,262, A>G on the plus strand (T>C on the coding strand, the complement: COL2A1 is on the minus strand). VCF-style: chr12-47977262-A-G. GRCh37 (hg19) VCF-style: chr12-48371045-A-G.
Other names: c.3066+58T>C (NM_033150.3).
Identifiers: ClinVar variation 675118 (VCV000675118.2), dbSNP rs41272749, ClinGen allele CA236520900.